The following is an entry in ClinVar:

ClinVar aggregate classification (germline): Uncertain significance (1 of 4 stars; one submission).

Allele frequency attached by ClinVar (database versions not stated): TOPMed 0.00002; gnomAD 0.00003.
gnomAD v4.1: 6 of 1,613,994 alleles (0.00037%); highest among the groups gnomAD compares: African/African-American, 0.0067%; no homozygotes.

Submission:

Labcorp Genetics (formerly Invitae), Labcorp
Classification: Uncertain significance. Last evaluated: 2022-01-12. Review status: criteria provided, single submitter. Criteria: Invitae Variant Classification Sherloc (09022015). Collection method: clinical testing. Allele origin: germline.
Comment: In summary, the available evidence is currently insufficient to determine the role of this variant in disease. Therefore, it has been classified as a Variant of Uncertain Significance. Algorithms developed to predict the effect of missense changes on protein structure and function output the following: SIFT: "Not Available"; PolyPhen-2: "Benign"; Align-GVGD: "Not Available". The glutamic acid amino acid residue is found in multiple mammalian species, which suggests that this missense change does not adversely affect protein function. This variant has not been reported in the literature in individuals affected with ADAMTS17-related conditions. This variant is present in population databases (no rsID available, gnomAD 0.01%). This sequence change replaces glutamine, which is neutral and polar, with glutamic acid, which is acidic and polar, at codon 195 of the ADAMTS17 protein (p.Gln195Glu).

NM_139057.4(ADAMTS17):c.583C>G (p.Gln195Glu)

Gene: ADAMTS17 (ADAM metallopeptidase with thrombospondin type 1 motif 17; minus strand). Cytogenetic location: 15q26.3.
Variant type: single nucleotide variant.
Coding change: c.583C>G on transcript NM_139057.4 (MANE Select); coding-DNA position 583, C replaced by G.
Protein change: p.Gln195Glu; replaces glutamine 195 with glutamic acid.
Molecular consequence: missense variant.
Genome position (GRCh38, 1-based): chr15:100,330,922, G>C on the plus strand (C>G on the coding strand, the complement: ADAMTS17 is on the minus strand). VCF-style: chr15-100330922-G-C. GRCh37 (hg19) VCF-style: chr15-100871127-G-C.
Other names: short protein forms Q195E.
Identifiers: ClinVar variation 2069627 (VCV002069627.4), dbSNP rs1032710517, ClinGen allele CA275935544.